The following is an entry in ClinVar:

ClinVar aggregate classification (germline): Pathogenic (1 of 4 stars; one submission).

Submission:

Labcorp Genetics (formerly Invitae), Labcorp
Classification: Pathogenic. Last evaluated: 2023-10-29. Review status: criteria provided, single submitter. Criteria: Invitae Variant Classification Sherloc (09022015). Collection method: clinical testing. Allele origin: germline.
Comment: This sequence change results in a frameshift in the OCA2 gene (p.Cys826Leufs*23). While this is not anticipated to result in nonsense mediated decay, it is expected to disrupt the last 13 amino acid(s) of the OCA2 protein and extend the protein by 9 additional amino acid residues. This variant is not present in population databases (gnomAD no frequency). This variant has not been reported in the literature in individuals affected with OCA2-related conditions. This variant disrupts a region of the OCA2 protein in which other variant(s) (p.Ala831Pro) have been determined to be pathogenic (PMID: 21458243, 34838614). This suggests that this is a clinically significant region of the protein, and that variants that disrupt it are likely to be disease-causing. For these reasons, this variant has been classified as Pathogenic.

Literature cited by the submitters: PubMed 21458243; PubMed 34838614.

NM_000275.3(OCA2):c.2477_2478del (p.Cys826fs)

Gene: OCA2 (OCA2 melanosomal transmembrane protein; minus strand). Cytogenetic location: 15q12.
Variant type: Microsatellite.
Coding change: c.2477_2478del on transcript NM_000275.3 (MANE Select); coding-DNA positions 2477 to 2478, 2 bases deleted (GT; older notation c.2477_2478delGT).
Protein change: p.Cys826fs; shifts the reading frame from cysteine 826.
Molecular consequence: frameshift variant.
Genome position (GRCh38, 1-based): chr15:27,755,427-27,755,428, AC deleted on the plus strand (GT on the coding strand, the reverse complement: OCA2 is on the minus strand); deleting any 2 consecutive bases within chr15:27,755,427-27,755,431 gives the same sequence; the c. name uses the placement nearest the transcript's 3' end. VCF-style (leftmost placement, unchanged base first): chr15-27755426-AAC-A. GRCh37 (hg19) VCF-style: chr15-28000572-AAC-A.
Other names: c.2405_2406del, p.Cys802fs (NM_001300984.2); short protein forms C826fs, C802fs.
Identifiers: ClinVar variation 2772698 (VCV002772698.3), dbSNP rs2504084532, ClinGen allele CA2697554280.